The following is an entry in ClinVar:

NM_001035.3(RYR2):c.10236C>G (p.Phe3412Leu)

Gene: RYR2 (ryanodine receptor 2; plus strand). Cytogenetic location: 1q43.
Variant type: single nucleotide variant.
Coding change: c.10236C>G on transcript NM_001035.3 (MANE Select); coding-DNA position 10236, C replaced by G.
Protein change: p.Phe3412Leu; replaces phenylalanine 3412 with leucine.
Molecular consequence: missense variant.
Genome position (GRCh38, 1-based): chr1:237,711,750, C>G. VCF-style: chr1-237711750-C-G. GRCh37 (hg19) VCF-style: chr1-237875050-C-G.
Other names: short protein forms F3412L.
Identifiers: ClinVar variation 3074336 (VCV003074336.1), dbSNP rs2547427163, ClinGen allele CA345412390.

ClinVar aggregate classification (germline): Uncertain significance (1 of 4 stars; one submission).

Conditions:
Catecholaminergic polymorphic ventricular tachycardia (CVPT). Also called: Catecholamine-induced polymorphic ventricular tachycardia. Identifiers: Orphanet 3286, MedGen C5574922, MONDO:0017990.

Submission:

All of Us Research Program, National Institutes of Health
Classification: Uncertain significance for Catecholaminergic polymorphic ventricular tachycardia. Last evaluated: 2023-11-02. Review status: criteria provided, single submitter. Criteria: ACMG Guidelines, 2015. Collection method: clinical testing. Allele origin: germline. Inheritance: Autosomal dominant inheritance. Observed: 1 variant allele, 1 heterozygote.
Comment: This missense variant replaces phenylalanine with leucine at codon 3412 of the RYR2 protein. Computational prediction suggests that this variant may have deleterious impact on protein structure and function (internally defined REVEL score threshold >= 0.7, PMID: 27666373). To our knowledge, functional studies have not been reported for this variant. This variant has not been reported in individuals affected with RYR2-related disorders in the literature. This variant has not been identified in the general population by the Genome Aggregation Database (gnomAD). The available evidence is insufficient to determine the role of this variant in disease conclusively. Therefore, this variant is classified as a Variant of Uncertain Significance.

This study involves interpretation of variants in research participants for the purpose of population health screening. Participant phenotype was not available at the time of variant classification. Additional details can be found in publication PMID: 35346344, PMCID: PMC8962531